The following is an entry in ClinVar:

NM_000138.5(FBN1):c.3082G>A (p.Asp1028Asn)

Gene: FBN1 (fibrillin 1; minus strand). Cytogenetic location: 15q21.1.
Variant type: single nucleotide variant.
Coding change: c.3082G>A on transcript NM_000138.5 (MANE Select); coding-DNA position 3082, G replaced by A.
Protein change: p.Asp1028Asn; replaces aspartic acid 1028 with asparagine.
Molecular consequence: missense variant.
Genome position (GRCh38, 1-based): chr15:48,489,851, C>T on the plus strand (G>A on the coding strand, the complement: FBN1 is on the minus strand). VCF-style: chr15-48489851-C-T. GRCh37 (hg19) VCF-style: chr15-48782048-C-T.
Other names: short protein forms D1028N.
Identifiers: ClinVar variation 452428 (VCV000452428.2), dbSNP rs1555398769, ClinGen allele CA392328848.
Genomic context (GRCh38, chr15:48,489,851, plus strand): 5'-AAATGCATCCTATTTGTCTAAAAAGGGAGGCAATTGGCCATGGAAAACGTAACATTGTAC[C>T]TTTGAAGAAAGGCTTTCCATTTGTAATTTCTTTTGTGGCAAATCCGGGTCCTCTCGGACA-3'
Protein context (NP_000129.3, residues 1018-1038): EITNGKPFFK[Asp1028Asn]INECKMIPSL

ClinVar aggregate classification (germline): Likely pathogenic (1 of 4 stars; one submission).

Submission:

GeneDx
Classification: Likely pathogenic. Last evaluated: 2017-10-16. Review status: criteria provided, single submitter. Criteria: GeneDx Variant Classification (06012015). Collection method: clinical testing. Allele origin: germline. Affected: yes.
Comment: The D1028N likely pathogenic variant was identified in the FBN1 gene. This variant not been published as pathogenic or been reported as benign to our knowledge. The D1028N variant is not observed in large population cohorts (Lek et al., 2016). This variant may be functionally significant at the protein level or the mRNA level. At the protein level, D1028N is a semi-conservative amino acid substitution, which may impact secondary protein structure as these residues differ in some properties. Additionally, this substitution occurs at a position that is conserved across species in the calcium-binding EGF-like 15 domain, and in silico analysis predicts this variant is probably damaging to the protein structure/function. Furthermore, missense variants in the same residue (D1028Y, D1028V, D1028G) have been reported in the Human Gene Mutation Database in association with Marfan syndrome (Stenson et al., 2014), supporting the functional importance of this residue of the protein. At the mRNA level, in silico splice prediction programs predict that c.3082 G>A destroys the natural splice donor site at intron 25 which may impact splicing. However, in the absence of functional mRNA studies, the physiological consequences of the c.3082 G>A variant cannot be precisely determined.